The following is an entry in ClinVar:

ClinVar aggregate classification (germline): Pathogenic (1 of 4 stars; one submission).

Conditions:
Hereditary cancer-predisposing syndrome. Also called: Neoplastic Syndromes, Hereditary; Tumor predisposition; Hereditary neoplastic syndrome; Hereditary Cancer Syndrome. Identifiers: Orphanet 140162, MedGen C0027672, MeSH D009386, MONDO:0015356.

Submission:

Ambry Genetics
Classification: Pathogenic for Hereditary cancer-predisposing syndrome. Last evaluated: 2026-08-18. Review status: criteria provided, single submitter. Criteria: Ambry Variant Classification Scheme 2023. Collection method: clinical testing. Allele origin: germline.
Comment: The c.1504-2A>G intronic pathogenic mutation results from an A to G substitution two nucleotides upstream from coding exon 11 in the PTCH1 gene. Variants that disrupt the canonical splice site are expected to result in aberrant splicing. In silico splice site analysis predicts that this alteration will weaken the native splice acceptor site. A resulting transcript is predicted to be in-frame and is not expected to trigger nonsense-mediated mRNAdecay; although, direct evidence is unavailable. However, the region predicted to be impacted is critical for protein function (Ambry internal data). This variant was reported in individual(s) with features consistent with PTCH1-related nevoid basal cell carcinoma syndrome (Ambry internal data). This variant is considered to be rare based on population cohorts in the Genome Aggregation Database (gnomAD). This nucleotide position is highly conserved in available vertebrate species. Based on the supporting evidence, this variant is interpreted as a disease-causing mutation.

NM_000264.5(PTCH1):c.1504-2A>G

Gene: PTCH1 (patched 1; minus strand). Cytogenetic location: 9q22.32.
Variant type: single nucleotide variant.
Coding change: c.1504-2A>G on transcript NM_000264.5 (MANE Select); the canonical splice acceptor site of the intron before coding-DNA position 1504, A replaced by G.
Molecular consequence: splice acceptor variant.
Genome position (GRCh38, 1-based): chr9:95,476,859, T>C on the plus strand (A>G on the coding strand, the complement: PTCH1 is on the minus strand). VCF-style: chr9-95476859-T-C. GRCh37 (hg19) VCF-style: chr9-98239141-T-C.
Other names: c.1501-2A>G (NM_001083603.3); c.1306-2A>G (NM_001083602.3); c.1348-2A>G (NM_001354918.2); c.1051-2A>G (NM_001083605.3, NM_001083604.3, NM_001083606.3 and 1 more transcripts).
Identifiers: ClinVar variation 5027536 (VCV005027536.1).